The following is an entry in ClinVar:

ClinVar aggregate classification (germline): Pathogenic. Review status: criteria provided, multiple submitters, no conflicts (2 of 4 stars). 6 submissions from 6 submitters: Pathogenic (6). Last evaluated 2024-04-25.

Conditions:
Pendred syndrome (PDS). Also called: THYROID DYSHORMONOGENESIS 2B; THYROID HORMONOGENESIS, GENETIC DEFECT IN, 2B; DEAFNESS WITH GOITER; GOITER-DEAFNESS SYNDROME; HYPOTHYROIDISM, CONGENITAL, DUE TO DYSHORMONOGENESIS, 2B; Pendred's syndrome. Identifiers: Orphanet 705, MedGen C0271829, MONDO:0010134, OMIM 274600.
Autosomal recessive nonsyndromic hearing loss 4 (DFNB4). Also called: Enlarged vestibular aqueduct, digenic; NEUROSENSORY NONSYNDROMIC RECESSIVE DEAFNESS 4; FOXI1-Related Pendred Syndrome; KCNJ10-Related Pendred Syndrome; Nonsyndromic enlarged vestibular aqueduct (NSEVA); Deafness, autosomal recessive 4, with enlarged vestibular aqueduct. Identifiers: Orphanet 90636, MedGen C3538946, MONDO:0010933, OMIM 600791.

Submissions (6):

Fulgent Genetics
Classification: Pathogenic for Pendred syndrome; Autosomal recessive nonsyndromic hearing loss 4. Last evaluated: 2024-04-25. Review status: criteria provided, single submitter. Criteria: ACMG Guidelines, 2015. Collection method: clinical testing. Allele origin: germline.

Baylor Genetics
Classification: Pathogenic for Autosomal recessive nonsyndromic hearing loss 4. Last evaluated: 2023-06-02. Review status: criteria provided, single submitter. Criteria: ACMG Guidelines, 2015. Collection method: clinical testing. Allele origin: unknown.

Labcorp Genetics (formerly Invitae), Labcorp
Classification: Pathogenic. Last evaluated: 2023-03-23. Review status: criteria provided, single submitter. Criteria: Invitae Variant Classification Sherloc (09022015). Collection method: clinical testing. Allele origin: germline.
Comment: For these reasons, this variant has been classified as Pathogenic. ClinVar contains an entry for this variant (Variation ID: 503714). This premature translational stop signal has been observed in individual(s) with clinical features of SLC26A4-related diseases including enlarged vestibular aqueduct and nonsyndromic hearing loss (PMID: 21961810, 25266519, 31035178). This variant is not present in population databases (gnomAD no frequency). This sequence change creates a premature translational stop signal (p.Gly316*) in the SLC26A4 gene. It is expected to result in an absent or disrupted protein product. Loss-of-function variants in SLC26A4 are known to be pathogenic (PMID: 16283880, 25394566, 26252218, 26445815).

Genome-Nilou Lab
Classification: Pathogenic for Pendred syndrome. Last evaluated: 2021-09-05. Review status: criteria provided, single submitter. Criteria: ACMG Guidelines, 2015. Collection method: clinical testing. Allele origin: germline. Affected: no.

GeneDx
Classification: Pathogenic. Last evaluated: 2020-11-03. Review status: criteria provided, single submitter. Criteria: GeneDx Variant Classification Process June 2021. Collection method: clinical testing. Allele origin: germline. Affected: yes.
Comment: Nonsense variant predicted to result in protein truncation or nonsense mediated decay in a gene for which loss-of-function is a known mechanism of disease; Not observed in large population cohorts (Lek et al., 2016); This variant is associated with the following publications: (PMID: 31035178, 16408730, 25525159, 21961810, 25266519, 27771369, 31107121, 17718863)

Juno Genomics, Hangzhou Juno Genomics, Inc
Classification: Pathogenic for Autosomal recessive nonsyndromic hearing loss 4; Pendred syndrome. Review status: criteria provided, single submitter. Criteria: ACMG Guidelines, 2015. Collection method: clinical testing. Allele origin: germline.
Comment: Absent from controls (or at extremely low frequency if recessive) in Genome Aggregation Database.;Null variant in a gene where loss of function (LOF) is a known mechanism of disease.;For recessive disorders, detected in trans with a pathogenic variant.

Literature cited by the submitters: PubMed 21961810 (cited by Labcorp Genetics (formerly Invitae), Labcorp); PubMed 25266519 (cited by Labcorp Genetics (formerly Invitae), Labcorp); PubMed 31035178 (cited by Labcorp Genetics (formerly Invitae), Labcorp); PubMed 16283880 (cited by Labcorp Genetics (formerly Invitae), Labcorp); PubMed 25394566 (cited by Labcorp Genetics (formerly Invitae), Labcorp); PubMed 26252218 (cited by Labcorp Genetics (formerly Invitae), Labcorp); PubMed 26445815 (cited by Labcorp Genetics (formerly Invitae), Labcorp).

NM_000441.2(SLC26A4):c.946G>T (p.Gly316Ter)

Gene: SLC26A4 (solute carrier family 26 member 4; plus strand). Cytogenetic location: 7q22.3.
Variant type: single nucleotide variant.
Coding change: c.946G>T on transcript NM_000441.2 (MANE Select); coding-DNA position 946, G replaced by T.
Protein change: p.Gly316Ter; replaces glycine 316 with a stop codon.
Molecular consequence: nonsense.
Genome position (GRCh38, 1-based): chr7:107,683,482, G>T. VCF-style: chr7-107683482-G-T. GRCh37 (hg19) VCF-style: chr7-107323927-G-T.
Other names: short protein forms G316*.
Identifiers: ClinVar variation 503714 (VCV000503714.16), dbSNP rs1554357231, ClinGen allele CA368835748.